The following is an entry in ClinVar:

NM_004385.5(VCAN):c.8054T>C (p.Val2685Ala)

Genes: VCAN (versican; plus strand), VCAN-AS1 (VCAN antisense RNA 1; minus strand). Cytogenetic location: 5q14.3.
Variant type: single nucleotide variant.
Coding change: c.8054T>C on transcript NM_004385.5 (MANE Select); coding-DNA position 8054, T replaced by C.
Protein change: p.Val2685Ala; replaces valine 2685 with alanine.
Molecular consequence: missense variant. On other transcripts: intron variant (2).
Genome position (GRCh38, 1-based): chr5:83,541,057, T>C. VCF-style: chr5-83541057-T-C. GRCh37 (hg19) VCF-style: chr5-82836876-T-C.
Other names: c.1043-4480T>C (NM_001126336.3); c.5093T>C, p.Val1698Ala (NM_001164097.2); c.4004-4480T>C (NM_001164098.2); short protein forms V1698A, V2685A.
Identifiers: ClinVar variation 4766474 (VCV004766474.1).

ClinVar aggregate classification (germline): Uncertain significance (1 of 4 stars; one submission).

Submission:

Labcorp Genetics (formerly Invitae), Labcorp
Classification: Uncertain significance. Last evaluated: 2025-02-09. Review status: criteria provided, single submitter. Criteria: Invitae Variant Classification Sherloc (09022015). Collection method: clinical testing. Allele origin: germline.
Comment: This sequence change replaces valine, which is neutral and non-polar, with alanine, which is neutral and non-polar, at codon 2685 of the VCAN protein (p.Val2685Ala). This variant is not present in population databases (gnomAD no frequency). This variant has not been reported in the literature in individuals affected with VCAN-related conditions. An algorithm developed to predict the effect of missense changes on protein structure and function (PolyPhen-2) suggests that this variant is likely to be tolerated. In summary, the available evidence is currently insufficient to determine the role of this variant in disease. Therefore, it has been classified as a Variant of Uncertain Significance.